The following is an entry in ClinVar:

NM_012210.4(TRIM32):c.1188del (p.Val397fs)

Genes: ASTN2 (astrotactin 2; minus strand), TRIM32 (tripartite motif containing 32; plus strand). Cytogenetic location: 9q33.1.
Variant type: Deletion.
Coding change: c.1188del on transcript NM_012210.4 (MANE Select); coding-DNA position 1188, one base deleted (A; older notation c.1188delA).
Protein change: p.Val397fs; shifts the reading frame from valine 397.
Molecular consequence: frameshift variant. On other transcripts: intron variant (3).
Genome position (GRCh38, 1-based): chr9:116,698,930, A deleted; the last of 2 consecutive A bases (chr9:116,698,929-116,698,930); deleting either gives the same sequence. VCF-style (leftmost placement, unchanged base first): chr9-116698928-CA-C. GRCh37 (hg19) VCF-style: chr9-119461207-CA-C.
Other names: c.1188del, p.Val397fs (NM_001099679.2, NM_001379048.1, NM_001379049.1 and 1 more transcripts); c.2653+26842del (NM_014010.5); c.2794+26842del (NM_001365069.1); c.2806+26842del (NM_001365068.1); short protein forms V397fs.
Identifiers: ClinVar variation 2753423 (VCV002753423.3), dbSNP rs1249127983, ClinGen allele CA590501277.

ClinVar aggregate classification (germline): Pathogenic (1 of 4 stars; one submission).

Conditions:
Bardet-Biedl syndrome (BBS). Identifiers: Orphanet 110, MedGen C0752166, MONDO:0015229.

Submission:

Labcorp Genetics (formerly Invitae), Labcorp
Classification: Pathogenic for Bardet-Biedl syndrome. Last evaluated: 2023-07-16. Review status: criteria provided, single submitter. Criteria: Invitae Variant Classification Sherloc (09022015). Collection method: clinical testing. Allele origin: germline.
Comment: For these reasons, this variant has been classified as Pathogenic. This variant disrupts a region of the TRIM32 protein in which other variant(s) (p.Asp487Asn) have been determined to be pathogenic (PMID: 11822024, 15786463, 23142638). This suggests that this is a clinically significant region of the protein, and that variants that disrupt it are likely to be disease-causing. This variant has not been reported in the literature in individuals affected with TRIM32-related conditions. This variant is present in population databases (no rsID available, gnomAD 0.007%). This sequence change creates a premature translational stop signal (p.Val397Serfs*8) in the TRIM32 gene. While this is not anticipated to result in nonsense mediated decay, it is expected to disrupt the last 257 amino acid(s) of the TRIM32 protein.

Literature cited by the submitters: PubMed 11822024; PubMed 15786463; PubMed 23142638.